The following is an entry in ClinVar:

NM_014915.3(ANKRD26):c.-139C>T

Gene: ANKRD26 (ankyrin repeat domain 26; minus strand). Cytogenetic location: 10p12.1.
Variant type: single nucleotide variant.
Coding change: c.-139C>T on transcript NM_014915.3 (MANE Select); 139 bases upstream of the start codon, C replaced by T.
Molecular consequence: 5 prime UTR variant.
Genome position (GRCh38, 1-based): chr10:27,100,465, G>A on the plus strand (C>T on the coding strand, the complement: ANKRD26 is on the minus strand). VCF-style: chr10-27100465-G-A. GRCh37 (hg19) VCF-style: chr10-27389394-G-A.
Other names: c.-139C>T (NM_001256053.2).
Identifiers: ClinVar variation 2957377 (VCV002957377.4), dbSNP rs979489975, ClinGen allele CA2608612143.

ClinVar aggregate classification (germline): Uncertain significance. Review status: criteria provided, multiple submitters, no conflicts (2 of 4 stars). 2 submissions from 2 submitters: Uncertain significance (2). Last evaluated 2024-11-05.

Submissions (2):

GeneDx
Classification: Uncertain significance. Last evaluated: 2024-11-05. Review status: criteria provided, single submitter. Criteria: GeneDx Variant Classification Process June 2021. Collection method: clinical testing. Allele origin: germline. Affected: yes.
Comment: Nucleotide is not conserved across species and the substitution has no predicted effect on splicing; Has not been previously published as pathogenic or benign to our knowledge; No data available from control populations to assess the frequency of this variant; Located in a regulatory region; in the absence of functional studies, the actual effect of this sequence change is unknown

Labcorp Genetics (formerly Invitae), Labcorp
Classification: Uncertain significance. Last evaluated: 2024-03-19. Review status: criteria provided, single submitter. Criteria: Invitae Variant Classification Sherloc (09022015). Collection method: clinical testing. Allele origin: germline.
Comment: This variant occurs in a non-coding region of the ANKRD26 gene. It does not change the encoded amino acid sequence of the ANKRD26 protein. This variant is not present in population databases (gnomAD no frequency). This variant has not been reported in the literature in individuals affected with ANKRD26-related conditions. In summary, the available evidence is currently insufficient to determine the role of this variant in disease. Therefore, it has been classified as a Variant of Uncertain Significance.